The following is an entry in ClinVar:

ClinVar aggregate classification (germline): Benign (0 of 4 stars; one submission).

Conditions:
ABCG1-related disorder. Also called: ABCG1-related condition.

Allele frequency attached by ClinVar (database versions not stated): ESP Exome Variant Server 0.00038; ExAC 0.01011; 1000 Genomes Project 30x 0.01702; 1000 Genomes Project 0.01757.
gnomAD v4.1: 4,115 of 1,584,138 alleles (0.26%); highest among the groups gnomAD compares: East Asian, 4%; 121 homozygotes.

Submission:

PreventionGenetics, part of Exact Sciences
Classification: Benign for ABCG1-related condition. Last evaluated: 2019-08-15. Review status: no assertion criteria provided. Collection method: clinical testing. Allele origin: germline.
Comment: This variant is classified as benign based on ACMG/AMP sequence variant interpretation guidelines (Richards et al. 2015 PMID: 25741868, with internal and published modifications).

NM_016818.3(ABCG1):c.339G>A (p.Leu113=)

Gene: ABCG1 (ATP binding cassette subfamily G member 1; plus strand). Cytogenetic location: 21q22.3.
Variant type: single nucleotide variant.
Coding change: c.339G>A on transcript NM_016818.3 (MANE Select); coding-DNA position 339, G replaced by A.
Protein change: p.Leu113=; no amino-acid change (leucine 113 retained).
Molecular consequence: synonymous variant.
Genome position (GRCh38, 1-based): chr21:42,271,122, G>A. VCF-style: chr21-42271122-G-A. GRCh37 (hg19) VCF-style: chr21-43691232-G-A.
Other names: c.339G>A, p.Leu113= (NM_004915.4); c.372G>A, p.Leu124= (NM_207174.1); c.345G>A, p.Leu115= (NM_207627.2); c.273G>A, p.Leu91= (NM_207628.1); c.330G>A, p.Leu110= (NM_207629.2).
Identifiers: ClinVar variation 3060995 (VCV003060995.2), dbSNP rs2229411, ClinGen allele CA10040984.